The following is an entry in ClinVar:

ClinVar aggregate classification (germline): Uncertain significance (1 of 4 stars; one submission).

Conditions:
Gorlin syndrome. Also called: Nevoid Basal Cell Carcinoma Syndrome; Basal cell nevus syndrome. Identifiers: Orphanet 377, MedGen C0004779, MONDO:0007187.

Submission:

Labcorp Genetics (formerly Invitae), Labcorp
Classification: Uncertain significance for Gorlin syndrome. Last evaluated: 2024-06-25. Review status: criteria provided, single submitter. Criteria: Invitae Variant Classification Sherloc (09022015). Collection method: clinical testing. Allele origin: germline.
Comment: This sequence change replaces glutamine, which is neutral and polar, with proline, which is neutral and non-polar, at codon 307 of the PTCH2 protein (p.Gln307Pro). This variant is not present in population databases (gnomAD no frequency). This variant has not been reported in the literature in individuals affected with PTCH2-related conditions. Advanced modeling of protein sequence and biophysical properties (such as structural, functional, and spatial information, amino acid conservation, physicochemical variation, residue mobility, and thermodynamic stability) performed at Invitae indicates that this missense variant is not expected to disrupt PTCH2 protein function with a negative predictive value of 80%. In summary, the available evidence is currently insufficient to determine the role of this variant in disease. Therefore, it has been classified as a Variant of Uncertain Significance.

NM_003738.5(PTCH2):c.920A>C (p.Gln307Pro)

Gene: PTCH2 (patched 2; minus strand). Cytogenetic location: 1p34.1.
Variant type: single nucleotide variant.
Coding change: c.920A>C on transcript NM_003738.5 (MANE Select); coding-DNA position 920, A replaced by C.
Protein change: p.Gln307Pro; replaces glutamine 307 with proline.
Molecular consequence: missense variant.
Genome position (GRCh38, 1-based): chr1:44,829,924, T>G on the plus strand (A>C on the coding strand, the complement: PTCH2 is on the minus strand). VCF-style: chr1-44829924-T-G. GRCh37 (hg19) VCF-style: chr1-45295596-T-G.
Other names: c.920A>C, p.Gln307Pro (NM_001166292.2); short protein forms Q307P.
Identifiers: ClinVar variation 3657740 (VCV003657740.2).